The following is an entry in ClinVar:

ClinVar aggregate classification (germline): Benign/Likely benign. Review status: criteria provided, multiple submitters, no conflicts (2 of 4 stars). 3 submissions from 3 submitters: Benign (2); Likely benign (1). Last evaluated 2026-01-26.

Conditions:
Amyotrophic lateral sclerosis type 21. Also called: VOCAL CORD AND PHARYNGEAL DYSFUNCTION WITH DISTAL MYOPATHY; MYOPATHY, DISTAL, 2. Identifiers: Orphanet 600, Orphanet 803, MedGen C3807521, MONDO:0011632, OMIM 606070.

Allele frequency attached by ClinVar (database versions not stated): gnomAD exomes 0.00014 and 0.00024; ESP Exome Variant Server 0.00015; 1000 Genomes Project 30x 0.00016; ExAC 0.00018; 1000 Genomes Project 0.00020; gnomAD 0.00025 and 0.00028; TOPMed 0.00037.
gnomAD v4.1: 273 of 1,611,568 alleles (0.017%); highest among the groups gnomAD compares: Middle Eastern, 0.18%; no homozygotes.

Submissions (3):

Labcorp Genetics (formerly Invitae), Labcorp
Classification: Benign for Amyotrophic lateral sclerosis type 21. Last evaluated: 2026-01-26. Review status: criteria provided, single submitter. Criteria: Invitae Variant Classification Sherloc (09022015). Collection method: clinical testing. Allele origin: germline.

CeGaT Center for Human Genetics Tuebingen
Classification: Likely benign. Last evaluated: 2025-02-01. Review status: criteria provided, single submitter. Criteria: CeGaT Center For Human Genetics Tuebingen Variant Classification Criteria Version 2. Collection method: clinical testing. Allele origin: germline. Affected: yes. Observed: 1 variant allele.
Comment: MATR3: BP4, BS1

Illumina Laboratory Services, Illumina
Classification: Benign for Amyotrophic lateral sclerosis type 21. Last evaluated: 2018-01-13. Review status: criteria provided, single submitter. Criteria: ICSL Variant Classification Criteria 13 December 2019. Collection method: clinical testing. Allele origin: germline.
Comment: This variant was observed in the ICSL laboratory as part of a predisposition screen in an ostensibly healthy population. It had not been previously curated by ICSL or reported in the Human Gene Mutation Database (HGMD: prior to June 1st, 2018), and was therefore a candidate for classification through an automated scoring system. Utilizing variant allele frequency, disease prevalence and penetrance estimates, and inheritance mode, an automated score was calculated to assess if this variant is too frequent to cause the disease. Based on the score and internal cut-off values, a variant classified as benign is not then subjected to further curation. The score for this variant resulted in a classification of benign for this disease.

NM_018834.6(MATR3):c.1183-5G>A

Gene: MATR3 (matrin 3; plus strand). Cytogenetic location: 5q31.2.
Variant type: single nucleotide variant.
Coding change: c.1183-5G>A on transcript NM_018834.6 (MANE Select); 5 bases into the intron before coding-DNA position 1183, G replaced by A.
Molecular consequence: intron variant.
Genome position (GRCh38, 1-based): chr5:139,317,591, G>A. VCF-style: chr5-139317591-G-A. GRCh37 (hg19) VCF-style: chr5-138653280-G-A.
Other names: c.1183-5G>A (NM_199189.3, NM_001194954.2, NM_001194955.2); c.169-5G>A (NM_001282278.2); c.319-5G>A (NM_001194956.2).
Identifiers: ClinVar variation 351127 (VCV000351127.27), dbSNP rs369464069, ClinGen allele CA3433094.